The following is an entry in ClinVar:

NM_015570.4(AUTS2):c.1141C>T (p.His381Tyr)

Gene: AUTS2 (activator of transcription and developmental regulator AUTS2; plus strand). Cytogenetic location: 7q11.22.
Variant type: single nucleotide variant.
Coding change: c.1141C>T on transcript NM_015570.4 (MANE Select); coding-DNA position 1141, C replaced by T.
Protein change: p.His381Tyr; replaces histidine 381 with tyrosine.
Molecular consequence: missense variant.
Genome position (GRCh38, 1-based): chr7:70,763,268, C>T. VCF-style: chr7-70763268-C-T. GRCh37 (hg19) VCF-style: chr7-70228254-C-T.
Other names: c.1141C>T, p.His381Tyr (NM_001127231.3); short protein forms H381Y.
Identifiers: ClinVar variation 1995597 (VCV001995597.4), dbSNP rs1473931043, ClinGen allele CA367667928.
Genomic context (GRCh38, chr7:70,763,268, plus strand): 5'-CCACCCAGGCCACAGTCCCCCACCCAGCTGCTCCATCAGAACCTCCCACCTGTGCAGGCC[C>T]ACCCCTCTGCTCAGAGCCTCTCCCAGCCATTGTCAGCCTACAACAGCAGTAGCTTAAGCC-3'
Protein context (NP_056385.1, residues 371-391): LHQNLPPVQA[His381Tyr]PSAQSLSQPL

ClinVar aggregate classification (germline): Uncertain significance (1 of 4 stars; one submission).

Allele frequency attached by ClinVar (database versions not stated): gnomAD exomes below 0.00001.
gnomAD v4.1: 2 of 1,613,060 alleles (0.00012%); highest among the groups gnomAD compares: Admixed American, 0.0033%; no homozygotes.

Submission:

Labcorp Genetics (formerly Invitae), Labcorp
Classification: Uncertain significance. Last evaluated: 2024-10-15. Review status: criteria provided, single submitter. Criteria: Invitae Variant Classification Sherloc (09022015). Collection method: clinical testing. Allele origin: germline.
Comment: This sequence change replaces histidine, which is basic and polar, with tyrosine, which is neutral and polar, at codon 381 of the AUTS2 protein (p.His381Tyr). This variant is present in population databases (no rsID available, gnomAD 0.006%). This variant has not been reported in the literature in individuals affected with AUTS2-related conditions. ClinVar contains an entry for this variant (Variation ID: 1995597). An algorithm developed to predict the effect of missense changes on protein structure and function (PolyPhen-2) suggests that this variant is likely to be tolerated. In summary, the available evidence is currently insufficient to determine the role of this variant in disease. Therefore, it has been classified as a Variant of Uncertain Significance.